The following is an entry in ClinVar:

ClinVar aggregate classification (germline): Uncertain significance (1 of 4 stars; one submission).

Submission:

GeneDx
Classification: Uncertain significance. Last evaluated: 2025-04-24. Review status: criteria provided, single submitter. Criteria: GeneDx Variant Classification Process June 2021. Collection method: clinical testing. Allele origin: germline. Affected: yes.
Comment: Not observed at significant frequency in large population cohorts (gnomAD); In silico analysis supports that this missense variant has a deleterious effect on protein structure/function; Has not been previously published as pathogenic or benign to our knowledge

NM_001848.3(COL6A1):c.512G>A (p.Gly171Glu)

Gene: COL6A1 (collagen type VI alpha 1 chain; plus strand). Cytogenetic location: 21q22.3.
Variant type: single nucleotide variant.
Coding change: c.512G>A on transcript NM_001848.3 (MANE Select); coding-DNA position 512, G replaced by A.
Protein change: p.Gly171Glu; replaces glycine 171 with glutamic acid.
Molecular consequence: missense variant.
Genome position (GRCh38, 1-based): chr21:45,986,609, G>A. VCF-style: chr21-45986609-G-A. GRCh37 (hg19) VCF-style: chr21-47406523-G-A.
Other names: short protein forms G171E.
Identifiers: ClinVar variation 4528311 (VCV004528311.1).
Genomic context (GRCh38, chr21:45,986,609, plus strand): 5'-AGTACCTGATTGTGGTGACCGACGGGCACCCCCTGGAGGGCTACAAGGAACCCTGTGGGG[G>A]GCTGGAGGATGCTGTGAACGAGGCCAAGCACCTGGGCGTCAAAGTCTTCTCGGTGGCCAT-3'
Protein context (NP_001839.2, residues 161-181): PLEGYKEPCG[Gly171Glu]LEDAVNEAKH